The following is an entry in ClinVar:

ClinVar aggregate classification (germline): Uncertain significance (1 of 4 stars; one submission).

Conditions:
Charlevoix-Saguenay spastic ataxia (SACS). Also called: AUTOSOMAL RECESSIVE SPASTIC ATAXIA OF CHARLEVOIX-SAGUENAY; Spastic ataxia of Charlevoix-Saguenay; SPASTIC ATAXIA 6, AUTOSOMAL RECESSIVE. Identifiers: Orphanet 98, MedGen C1849140, MONDO:0010041, OMIM 270550.

Submission:

Baylor Genetics
Classification: Uncertain significance for Charlevoix-Saguenay spastic ataxia. Last evaluated: 2019-11-07. Review status: criteria provided, single submitter. Criteria: ACMG Guidelines, 2015. Collection method: clinical testing. Allele origin: unknown. Affected: yes.
Comment: This variant was determined to be of uncertain significance according to ACMG Guidelines, 2015 [PMID:25741868].

NM_014363.6(SACS):c.6941A>C (p.Asn2314Thr)

Gene: SACS (sacsin molecular chaperone; minus strand). Cytogenetic location: 13q12.12.
Variant type: single nucleotide variant.
Coding change: c.6941A>C on transcript NM_014363.6 (MANE Select); coding-DNA position 6941, A replaced by C.
Protein change: p.Asn2314Thr; replaces asparagine 2314 with threonine.
Molecular consequence: missense variant.
Genome position (GRCh38, 1-based): chr13:23,336,935, T>G on the plus strand (A>C on the coding strand, the complement: SACS is on the minus strand). VCF-style: chr13-23336935-T-G. GRCh37 (hg19) VCF-style: chr13-23911074-T-G.
Other names: c.6500A>C, p.Asn2167Thr (NM_001278055.2); short protein forms N2314T, N2167T.
Identifiers: ClinVar variation 1027859 (VCV001027859.1), dbSNP rs1868664491, ClinGen allele CA387520406.
Genomic context (GRCh38, chr13:23,336,935, plus strand): 5'-TTAGTGATTTCATTTTGCATCAAGGCTTCATGAAGGTATTTGTAGCAAGCATTGGTGATA[T>G]TCTCCTGGTACAGTGTAATTCCATCATCAACTGATTTTGCTACTTCTTTCAATTGGTTTA-3'
Protein context (NP_055178.3, residues 2304-2324): VDDGITLYQE[Asn2314Thr]ITNACYKYLH